The following is an entry in ClinVar:

ClinVar aggregate classification (germline): Benign. Review status: criteria provided, multiple submitters, no conflicts (2 of 4 stars). 6 submissions from 6 submitters: Benign (4). 2 of the submissions do not count toward it. Last evaluated 2026-02-02.

Allele frequency attached by ClinVar (database versions not stated): gnomAD 0.02500; ESP Exome Variant Server 0.02592; 1000 Genomes Project 0.02955; TOPMed 0.02983; 1000 Genomes Project 30x 0.03310.
gnomAD v4.1: 7,976 of 1,614,070 alleles (0.49%); highest among the groups gnomAD compares: African/African-American, 9.2%; 354 homozygotes.

Submissions (6):

Labcorp Genetics (formerly Invitae), Labcorp
Classification: Benign. Last evaluated: 2026-02-02. Review status: criteria provided, single submitter. Criteria: Invitae Variant Classification Sherloc (09022015). Collection method: clinical testing. Allele origin: germline.

Women's Health and Genetics/Laboratory Corporation of America, LabCorp
Classification: Benign. Last evaluated: 2017-07-06. Review status: criteria provided, single submitter. Criteria: LabCorp Variant Classification Summary - May 2015. Collection method: clinical testing. Allele origin: germline.
Comment: Variant summary: The A2ML1 c.1101T>C (p.Asp367Asp) variant involves the alteration of a non-conserved nucleotide, resulting in a synonymous change. Mutation taster predicts a polymorphism outcome for this variant. 5/5 splice prediction tools predict no significant impact on normal splicing. ESE finder predicts that this variant may affect binding of multiple ESE sites. However, these predictions have yet to be confirmed by functional studies. This variant was found in 969/120652 control chromosomes (48 homozygotes) from ExAC, predominantly observed in the African subpopulation at a frequency of 0.089778 (880/9802). This frequency is about 22444 times the estimated maximal expected allele frequency of a pathogenic A2ML1 variant (0.000004), thus it is a common benign polymorphism found primarily in the populations of African origin. In addition, multiple clinical diagnostic laboratories (via ClinVar) have classified this variant as benign. Taken together, this variant is classified as benign.

GeneDx
Classification: Benign. Last evaluated: 2016-12-22. Review status: criteria provided, single submitter. Criteria: GeneDx Variant Classification (06012015). Collection method: clinical testing. Allele origin: germline. Affected: yes.
Comment: This variant is considered likely benign or benign based on one or more of the following criteria: it is a conservative change, it occurs at a poorly conserved position in the protein, it is predicted to be benign by multiple in silico algorithms, and/or has population frequency not consistent with disease.

Breakthrough Genomics
Classification: Benign. Review status: criteria provided, single submitter. Criteria: ACMG Guidelines, 2015. Collection method: not provided. Allele origin: germline. Inheritance: Autosomal dominant inheritance. Affected: yes.

Clinical Genetics, Academic Medical Center
Classification: Benign. Review status: no assertion criteria provided. Collection method: clinical testing. Allele origin: germline. Affected: yes. Study: VKGL Data-share Consensus. Not counted in ClinVar's aggregate classification.

Joint Genome Diagnostic Labs from Nijmegen and Maastricht, Radboudumc and MUMC+
Classification: Benign. Review status: no assertion criteria provided. Collection method: clinical testing. Allele origin: germline. Affected: yes. Study: VKGL Data-share Consensus. Not counted in ClinVar's aggregate classification.

Literature cited by the submitters: PubMed 24896146 (cited by Women's Health and Genetics/Laboratory Corporation of America, LabCorp).

NM_144670.6(A2ML1):c.1101T>C (p.Asp367=)

Gene: A2ML1 (alpha-2-macroglobulin like 1; plus strand). Cytogenetic location: 12p13.31.
Variant type: single nucleotide variant.
Coding change: c.1101T>C on transcript NM_144670.6 (MANE Select); coding-DNA position 1101, T replaced by C.
Protein change: p.Asp367=; no amino-acid change (aspartic acid 367 retained).
Molecular consequence: synonymous variant.
Genome position (GRCh38, 1-based): chr12:8,841,389, T>C. VCF-style: chr12-8841389-T-C. GRCh37 (hg19) VCF-style: chr12-8993985-T-C.
Identifiers: ClinVar variation 413815 (VCV000413815.16), dbSNP rs61744222, ClinGen allele CA6435552.
Genomic context (GRCh38, chr12:8,841,389, plus strand): 5'-CCAAACCTAATTCTAATCCGTAATGATCTTTGTCCTTCAGATAAGAGTTAGGGGCCATGA[T>C]GACTCCTTCCTCAAGAACCATCTAGTGTTTCTGGTGATTTATGGCACAAATGGAACCTTC-3'
Protein context (NP_653271.3, residues 357-377): FSGKIRVRGH[Asp367=]DSFLKNHLVF